The following is an entry in ClinVar:

ClinVar aggregate classification (germline): Likely pathogenic (1 of 4 stars; one submission).

Conditions:
RIGI-related disorder. Also called: RIGI-related condition.

Submission:

PreventionGenetics, part of Exact Sciences
Classification: Likely pathogenic for RIGI-related condition. Last evaluated: 2023-01-10. Review status: criteria provided, single submitter. Criteria: ACMG Guidelines, 2015. Collection method: clinical testing. Allele origin: germline.
Comment: The RIGI c.988G>A variant is predicted to result in the amino acid substitution p.Glu330Lys. This variant was reported to have occurred de novo in an individual with childhood glaucoma and bicuspid valve (2019 ARVO Annual Meeting). This variant has not been reported in a large population database, indicating this variant is rare. Taken together, we interpret this variant as likely pathogenic.

NM_014314.4(RIGI):c.988G>A (p.Glu330Lys)

Gene: RIGI (RNA sensor RIG-I; minus strand). Cytogenetic location: 9p21.1.
Variant type: single nucleotide variant.
Coding change: c.988G>A on transcript NM_014314.4 (MANE Select); coding-DNA position 988, G replaced by A.
Protein change: p.Glu330Lys; replaces glutamic acid 330 with lysine.
Molecular consequence: missense variant.
Genome position (GRCh38, 1-based): chr9:32,488,169, C>T on the plus strand (G>A on the coding strand, the complement: RIGI is on the minus strand). VCF-style: chr9-32488169-C-T. GRCh37 (hg19) VCF-style: chr9-32488167-C-T.
Other names: c.982G>A, p.Glu328Lys (NM_001385907.1); c.988G>A, p.Glu330Lys (NM_001385909.1); c.547G>A, p.Glu183Lys (NM_001385910.1); c.379G>A, p.Glu127Lys (NM_001385912.1); c.973G>A, p.Glu325Lys (NM_001385913.1); c.544G>A, p.Glu182Lys (NM_001385914.1); short protein forms E127K, E182K, E183K, E325K, E328K, E330K.
Identifiers: ClinVar variation 2635241 (VCV002635241.1), dbSNP rs2489331579, ClinGen allele CA373158075.